The following is an entry in ClinVar:

ClinVar aggregate classification (germline): Benign (1 of 4 stars; one submission).

Conditions:
Familial adenomatous polyposis 1 (FAP1). Also called: POLYPOSIS, ADENOMATOUS INTESTINAL; FAMILIAL ADENOMATOUS POLYPOSIS 1, ATTENUATED. Identifiers: MedGen C2713442, MONDO:0021056, OMIM 175100. Disease mechanism: loss of function.

Submission:

Myriad Genetics, Inc.
Classification: Benign for Familial adenomatous polyposis 1. Last evaluated: 2024-03-06. Review status: criteria provided, single submitter. Criteria: Myriad Autosomal Dominant, Autosomal Recessive and X-Linked Classification Criteria (2023). Collection method: clinical testing. Allele origin: unknown.
Comment: This variant is considered benign. This variant is a silent/synonymous amino acid change and it is not expected to impact splicing.

NM_000038.6(APC):c.1698T>C (p.Val566=)

Gene: APC (APC regulator of Wnt signaling pathway; plus strand). Cytogenetic location: 5q22.2.
Variant type: single nucleotide variant.
Coding change: c.1698T>C on transcript NM_000038.6 (MANE Select); coding-DNA position 1698, T replaced by C.
Protein change: p.Val566=; no amino-acid change (valine 566 retained).
Molecular consequence: synonymous variant.
Genome position (GRCh38, 1-based): chr5:112,828,927, T>C. VCF-style: chr5-112828927-T-C. GRCh37 (hg19) VCF-style: chr5-112164624-T-C.
Other names: c.1311T>C, p.Val437= (NM_001407467.1, NM_001407469.1); c.849T>C, p.Val283= (NM_001407470.1, NM_001354906.2); c.546T>C, p.Val182= (NM_001407471.1, NM_001407472.1); c.1698T>C, p.Val566= (NM_001127510.3, NM_001354895.2, NM_001407450.1); c.1644T>C, p.Val548= (NM_001127511.3); c.1752T>C, p.Val584= (NM_001354896.2, NM_001407447.1, NM_001407448.1 and 1 more transcripts); c.1728T>C, p.Val576= (NM_001354897.2); c.1623T>C, p.Val541= (NM_001354898.2); and 11 more.
Identifiers: ClinVar variation 3148738 (VCV003148738.1), dbSNP rs2149817756, ClinGen allele CA445757410.